The following is an entry in ClinVar:

ClinVar aggregate classification (germline): Uncertain significance (1 of 4 stars; one submission).

Submission:

Mayo Clinic Laboratories, Mayo Clinic
Classification: Uncertain significance. Last evaluated: 2024-01-22. Review status: criteria provided, single submitter. Criteria: ACMG Guidelines, 2015. Collection method: clinical testing. Allele origin: germline. Observed: 1 variant allele.
Comment: PM2_moderate

NM_001267550.2(TTN):c.10198C>T (p.Gln3400Ter)

Gene: TTN (titin; minus strand). Cytogenetic location: 2q31.2.
Variant type: single nucleotide variant.
Coding change: c.10198C>T on transcript NM_001267550.2 (MANE Select); coding-DNA position 10198, C replaced by T.
Protein change: p.Gln3400Ter; replaces glutamine 3400 with a stop codon.
Molecular consequence: nonsense.
Genome position (GRCh38, 1-based): chr2:178,759,089, G>A on the plus strand (C>T on the coding strand, the complement: TTN is on the minus strand). VCF-style: chr2-178759089-G-A. GRCh37 (hg19) VCF-style: chr2-179623816-G-A.
Other names: p.Gln3400*; c.10198C>T, p.Gln3400Ter (NM_001256850.1, NM_133378.4, NM_133379.5); c.10060C>T, p.Gln3354Ter (NM_003319.4, NM_133432.3, NM_133437.4); short protein forms Q3354*, Q3400*.
Identifiers: ClinVar variation 3379384 (VCV003379384.1).
Genomic context (GRCh38, chr2:178,759,089, plus strand): 5'-TACTAGCAACAAACGTGTAAGTTCCTTCATCTTCTGGATAAGCTTCGGCAATTTCCAGTT[G>A]ATAAGTGTCTTCAAATTGAGTCATTCTAAAGAACCGAGATGGCTTGATTTTCTTGTCTTT-3'